The following is an entry in ClinVar:

ClinVar aggregate classification (germline): Uncertain significance (1 of 4 stars; one submission).

Conditions:
Primary ciliary dyskinesia. Also called: Ciliary dyskinesia. Identifiers: Orphanet 244, MedGen C0008780, MONDO:0016575, HP:0012265.

gnomAD v4.1: 2 of 1,614,178 alleles (0.00012%); highest among the groups gnomAD compares: Admixed American, 0.0017%; no homozygotes.

Submission:

Labcorp Genetics (formerly Invitae), Labcorp
Classification: Uncertain significance for Primary ciliary dyskinesia. Last evaluated: 2021-11-11. Review status: criteria provided, single submitter. Criteria: Invitae Variant Classification Sherloc (09022015). Collection method: clinical testing. Allele origin: germline.
Comment: In summary, the available evidence is currently insufficient to determine the role of this variant in disease. Therefore, it has been classified as a Variant of Uncertain Significance. Algorithms developed to predict the effect of missense changes on protein structure and function (SIFT, PolyPhen-2, Align-GVGD) all suggest that this variant is likely to be tolerated. This variant has not been reported in the literature in individuals affected with DRC1-related conditions. This variant is not present in population databases (gnomAD no frequency). This sequence change replaces glutamine, which is neutral and polar, with leucine, which is neutral and non-polar, at codon 728 of the DRC1 protein (p.Gln728Leu).

NM_145038.5(DRC1):c.2183A>T (p.Gln728Leu)

Gene: DRC1 (dynein regulatory complex subunit 1; plus strand). Cytogenetic location: 2p23.3.
Variant type: single nucleotide variant.
Coding change: c.2183A>T on transcript NM_145038.5 (MANE Select); coding-DNA position 2183, A replaced by T.
Protein change: p.Gln728Leu; replaces glutamine 728 with leucine.
Molecular consequence: missense variant.
Genome position (GRCh38, 1-based): chr2:26,456,477, A>T. VCF-style: chr2-26456477-A-T. GRCh37 (hg19) VCF-style: chr2-26679345-A-T.
Other names: short protein forms Q728L.
Identifiers: ClinVar variation 1512413 (VCV001512413.5), dbSNP rs2148010186, ClinGen allele CA346123808.